The following is an entry in ClinVar:

ClinVar aggregate classification (germline): Conflicting classifications of pathogenicity. Review status: criteria provided, conflicting classifications (1 of 4 stars). 2 submissions from 2 submitters: Uncertain significance (1); Likely benign (1). Last evaluated 2024-04-08.

Conditions:
Fanconi anemia complementation group O. Also called: RAD51C-Related Fanconi Anemia. Identifiers: Orphanet 84, MedGen C3150653, MONDO:0013248, OMIM 613390.

Submissions (2):

Labcorp Genetics (formerly Invitae), Labcorp
Classification: Likely benign for Fanconi anemia complementation group O. Last evaluated: 2024-04-08. Review status: criteria provided, single submitter. Criteria: Invitae Variant Classification Sherloc (09022015). Collection method: clinical testing. Allele origin: germline.

Quest Diagnostics Nichols Institute San Juan Capistrano
Classification: Uncertain significance. Last evaluated: 2024-02-22. Review status: criteria provided, single submitter. Criteria: Quest Diagnostics criteria. Collection method: clinical testing. Allele origin: unknown.
Comment: The RAD51C c.702A>G (p.Ser234=) synonymous variant has not been reported in individuals with RAD51C-related conditions in the published literature. It also has not been reported in large, multi-ethnic general populations (Genome Aggregation Database). Analysis of this variant using software algorithms for the prediction of the effect of nucleotide changes on splicing yielded predictions that this variant does not affect RAD51C mRNA splicing. Based on the available information, we are unable to determine the clinical significance of this variant.

NM_058216.3(RAD51C):c.702A>G (p.Ser234=)

Genes: RAD51C (RAD51 paralog C; plus strand), LOC129390903 (MPRA-validated peak2919 silencer; plus strand). Cytogenetic location: 17q22.
Variant type: single nucleotide variant.
Coding change: c.702A>G on transcript NM_058216.3 (MANE Select); coding-DNA position 702, A replaced by G.
Protein change: p.Ser234=; no amino-acid change (serine 234 retained).
Molecular consequence: synonymous variant. On other transcripts: non-coding transcript variant (1).
Genome position (GRCh38, 1-based): chr17:58,703,326, A>G. VCF-style: chr17-58703326-A-G. GRCh37 (hg19) VCF-style: chr17-56780687-A-G.
Other names: c.702A>G (NM_058216.2); c.*130A>G (NM_058217.1).
Identifiers: ClinVar variation 2162639 (VCV002162639.5), dbSNP rs2143802342, ClinGen allele CA501075286.